The following is an entry in ClinVar:

NM_001069.3(TUBB2A):c.5G>A (p.Arg2His)

Genes: TUBB2A (tubulin beta 2A class IIa; minus strand), LOC129995635 (ATAC-STARR-seq lymphoblastoid silent region 16846; plus strand). Cytogenetic location: 6p25.2.
Variant type: single nucleotide variant.
Coding change: c.5G>A on transcript NM_001069.3 (MANE Select); coding-DNA position 5, G replaced by A.
Protein change: p.Arg2His; replaces arginine 2 with histidine.
Molecular consequence: missense variant. On other transcripts: 5 prime UTR variant (1).
Genome position (GRCh38, 1-based): chr6:3,157,459, C>T on the plus strand (G>A on the coding strand, the complement: TUBB2A is on the minus strand). VCF-style: chr6-3157459-C-T. GRCh37 (hg19) VCF-style: chr6-3157693-C-T.
Other names: c.-383G>A (NM_001310315.2); short protein forms R2H.
Identifiers: ClinVar variation 1320068 (VCV001320068.6), dbSNP rs1581499166, ClinGen allele CA362593778.

ClinVar aggregate classification (germline): Conflicting classifications of pathogenicity. Review status: criteria provided, conflicting classifications (1 of 4 stars). 4 submissions from 4 submitters: Pathogenic (1); Likely pathogenic (2); Uncertain significance (1). Last evaluated 2022-12-08.

Conditions:
Complex cortical dysplasia with other brain malformations 5. Identifiers: MedGen C3810407, MONDO:0014337, OMIM 615763.

Submissions (4):

Baylor Genetics
Classification: Pathogenic for Complex cortical dysplasia with other brain malformations 5. Last evaluated: 2022-12-08. Review status: criteria provided, single submitter. Criteria: ACMG Guidelines, 2015. Collection method: clinical testing. Allele origin: unknown.

Clinical Genetics Laboratory, Skane University Hospital Lund
Classification: Likely pathogenic. Last evaluated: 2022-05-27. Review status: criteria provided, single submitter. Criteria: ACMG Guidelines, 2015. Collection method: clinical testing. Allele origin: germline. Affected: yes.

3billion
Classification: Likely pathogenic for Complex cortical dysplasia with other brain malformations 5. Last evaluated: 2021-10-02. Review status: criteria provided, single submitter. Criteria: ACMG Guidelines, 2015. Collection method: clinical testing. Allele origin: germline. Affected: yes. Observed: 1 heterozygote.
Comment: It is not observed in the gnomAD v2.1.1 dataset (PM2). A different missense change (p.Arg2Leu) at the same codon has been reported as pathogenic (ClinVar ID: VCV000809860.7). The variant was observed as assumed (i.e. paternity and maternity not confirmed) de novoo (3billion dataset, PM6). Patient's phenotype is considered compatible with Cortical dysplasia, complex, with other brain malformations 5 (3billion dataset, PP4). Therefore, this variant is classified as likely pathogenic according to the recommendation of ACMG/AMP guideline.

Labcorp Genetics (formerly Invitae), Labcorp
Classification: Uncertain significance. Last evaluated: 2021-09-01. Review status: criteria provided, single submitter. Criteria: Invitae Variant Classification Sherloc (09022015). Collection method: clinical testing. Allele origin: germline.